The following is an entry in ClinVar:

NM_000540.3(RYR1):c.13849G>A (p.Gly4617Arg)

Gene: RYR1 (ryanodine receptor 1; plus strand). Cytogenetic location: 19q13.2.
Variant type: single nucleotide variant.
Coding change: c.13849G>A on transcript NM_000540.3 (MANE Select); coding-DNA position 13849, G replaced by A.
Protein change: p.Gly4617Arg; replaces glycine 4617 with arginine.
Molecular consequence: missense variant.
Genome position (GRCh38, 1-based): chr19:38,572,121, G>A. VCF-style: chr19-38572121-G-A. GRCh37 (hg19) VCF-style: chr19-39062761-G-A.
Other names: c.13834G>A, p.Gly4612Arg (NM_001042723.2); short protein forms G4617R, G4612R.
Identifiers: ClinVar variation 478190 (VCV000478190.18), dbSNP rs202226983, ClinGen allele CA060602.
Genomic context (GRCh38, chr19:38,572,121, plus strand): 5'-GCTGCTGGGGATGTGTCAGGTGCAGGCTCTGGTGGCAGCTCTGGCTGGGGCTTGGGGGCC[G>A]GAGAGGAGGCAGAGGGCGATGAGGATGAGAACATGGTGTACTACTTCCTGGAGGAAAGCA-3'
Protein context (NP_000531.2, residues 4607-4627): GGSSGWGLGA[Gly4617Arg]EEAEGDEDEN

ClinVar aggregate classification (germline): Conflicting classifications of pathogenicity. Review status: criteria provided, conflicting classifications (1 of 4 stars). 5 submissions from 5 submitters: Uncertain significance (4); Likely benign (1). Last evaluated 2025-12-27.

Conditions:
RYR1-related disorder. Also called: RYR1-related condition; RYR1-related disorders. Identifiers: MedGen CN239331.
Inborn genetic diseases. Identifiers: MedGen C0950123, MeSH D030342.
Malignant hyperthermia, susceptibility to, 1 (MHS1). Also called: Anesthesia related hyperthermia; Malignant hyperpyrexia; Fulminating hyperpyrexia; Pharmacogenic myopathy; Malignant hyperthermia suceptibility 1; RYR1-Related Malignant Hyperthermia Susceptibility. Identifiers: Orphanet 423, MedGen C2930980, MONDO:0007783, OMIM 145600.

Allele frequency attached by ClinVar (database versions not stated): ESP Exome Variant Server 0.00008; gnomAD 0.00009; TOPMed 0.00011; ExAC 0.00013; gnomAD exomes 0.00014; 1000 Genomes Project 0.00040; 1000 Genomes Project 30x 0.00062.

Submissions (5):

Labcorp Genetics (formerly Invitae), Labcorp
Classification: Likely benign for RYR1-related disorder. Last evaluated: 2025-12-27. Review status: criteria provided, single submitter. Criteria: Invitae Variant Classification Sherloc (09022015). Collection method: clinical testing. Allele origin: germline.

Ambry Genetics
Classification: Uncertain significance for Inborn genetic diseases. Last evaluated: 2025-10-14. Review status: criteria provided, single submitter. Criteria: Ambry Variant Classification Scheme 2023. Collection method: clinical testing. Allele origin: germline.

All of Us Research Program, National Institutes of Health
Classification: Uncertain significance for Malignant hyperthermia, susceptibility to, 1. Last evaluated: 2024-09-23. Review status: criteria provided, single submitter. Criteria: ACMG Guidelines, 2015. Collection method: clinical testing. Allele origin: germline. Inheritance: Autosomal dominant inheritance. Observed: 31 variant alleles, 31 heterozygotes.
Comment: This missense variant replaces glycine with arginine at codon 4617 of the RYR1 protein. Computational prediction suggests that this variant may not impact protein structure and function (internally defined REVEL score threshold <= 0.5, PMID: 27666373). To our knowledge, functional studies have not been reported for this variant. This variant has not been reported in individuals affected with RYR1-related disorders in the literature. This variant has been identified in 39/282790 chromosomes in the general population by the Genome Aggregation Database (gnomAD). The available evidence is insufficient to determine the role of this variant in disease conclusively. Therefore, this variant is classified as a Variant of Uncertain Significance.

This study involves interpretation of variants in research participants for the purpose of population health screening. Participant phenotype was not available at the time of variant classification. Additional details can be found in publication PMID: 35346344, PMCID: PMC8962531

Color Diagnostics, LLC DBA Color Health
Classification: Uncertain significance for Malignant hyperthermia, susceptibility to, 1. Last evaluated: 2023-11-07. Review status: criteria provided, single submitter. Criteria: ACMG Guidelines, 2015. Collection method: clinical testing. Allele origin: germline.
Comment: This missense variant replaces glycine with arginine at codon 4617 of the RYR1 protein. Computational prediction suggests that this variant may not impact protein structure and function (internally defined REVEL score threshold <= 0.5, PMID: 27666373). To our knowledge, functional studies have not been reported for this variant. This variant has not been reported in individuals affected with RYR1-related disorders in the literature. This variant has been identified in 39/282790 chromosomes in the general population by the Genome Aggregation Database (gnomAD). The available evidence is insufficient to determine the role of this variant in disease conclusively. Therefore, this variant is classified as a Variant of Uncertain Significance.

Revvity Omics, Revvity
Classification: Uncertain significance. Last evaluated: 2021-05-27. Review status: criteria provided, single submitter. Criteria: ACMG Guidelines, 2015. Collection method: clinical testing. Allele origin: germline.